The following is an entry in ClinVar:

ClinVar aggregate classification (germline): Conflicting classifications of pathogenicity. Review status: criteria provided, conflicting classifications (1 of 4 stars). 4 submissions from 4 submitters: Uncertain significance (2); Likely benign (1). 1 of the submissions does not count toward it. Last evaluated 2025-01-14.

Conditions:
Colorectal cancer. Also called: Colorectal cancer, somatic; Malignant Colorectal Neoplasm. Identifiers: MedGen C0346629, MONDO:0005575, OMIM 114500.
Hereditary cancer-predisposing syndrome. Also called: Tumor predisposition; Hereditary neoplastic syndrome; Hereditary Cancer Syndrome; Neoplastic Syndromes, Hereditary. Identifiers: Orphanet 140162, MedGen C0027672, MeSH D009386, MONDO:0015356.
Oligodontia-cancer predisposition syndrome. Also called: TOOTH AGENESIS-COLORECTAL CANCER SYNDROME. Identifiers: Orphanet 300576, MedGen C1837750, MONDO:0012075, OMIM 608615. Disease mechanism: loss of function.

Allele frequency attached by ClinVar (database versions not stated): gnomAD 0.00001; TOPMed 0.00001.
gnomAD v4.1: 1 of 1,611,620 alleles (0.000062%); highest among the groups gnomAD compares: Admixed American, 0.0017%; no homozygotes.

Submissions (4):

Ambry Genetics
Classification: Likely benign for Hereditary cancer-predisposing syndrome. Last evaluated: 2025-01-14. Review status: criteria provided, single submitter. Criteria: Ambry Variant Classification Scheme 2023. Collection method: clinical testing. Allele origin: germline.

Labcorp Genetics (formerly Invitae), Labcorp
Classification: Uncertain significance for Oligodontia-cancer predisposition syndrome. Last evaluated: 2024-03-14. Review status: criteria provided, single submitter. Criteria: Invitae Variant Classification Sherloc (09022015). Collection method: clinical testing. Allele origin: germline.
Comment: This sequence change replaces alanine, which is neutral and non-polar, with valine, which is neutral and non-polar, at codon 591 of the AXIN2 protein (p.Ala591Val). This variant is not present in population databases (gnomAD no frequency). This variant has not been reported in the literature in individuals affected with AXIN2-related conditions. ClinVar contains an entry for this variant (Variation ID: 1048974). Advanced modeling of protein sequence and biophysical properties (such as structural, functional, and spatial information, amino acid conservation, physicochemical variation, residue mobility, and thermodynamic stability) performed at Invitae indicates that this missense variant is not expected to disrupt AXIN2 protein function with a negative predictive value of 80%. In summary, the available evidence is currently insufficient to determine the role of this variant in disease. Therefore, it has been classified as a Variant of Uncertain Significance.

Baylor Genetics
Classification: Uncertain significance for Colorectal cancer. Last evaluated: 2024-01-22. Review status: criteria provided, single submitter. Criteria: ACMG Guidelines, 2015. Collection method: clinical testing. Allele origin: unknown.

Department of Pathology and Laboratory Medicine, Sinai Health System
Classification: Uncertain significance. Review status: no assertion criteria provided. Collection method: clinical testing. Allele origin: unknown. Affected: yes. Study: The Canadian Open Genetics Repository (COGR). Not counted in ClinVar's aggregate classification.
Comment: The AXIN2 p.Ala591Val variant was not identified in the literature nor was it identified in ClinVar, Cosmic or LOVD 3.0. The variant was identified in dbSNP (ID: rs1439853340) but was not identified in the following control databases: the 1000 Genomes Project, the NHLBI GO Exome Sequencing Project, the Exome Aggregation Consortium (August 8th 2016), or the Genome Aggregation Database (Feb 27, 2017). The variant occurs outside of the splicing consensus sequence and 3 of 4 in silico or computational prediction software programs (SpliceSiteFinder, MaxEntScan, GeneSplicer) do not predict a difference in splicing. The p.Ala591 residue is not conserved in mammals and 4 of 5 computational analyses (AlignGVGD, SIFT, BLOSUM, PolyPhen-2) do not suggest a high likelihood of impact to the protein; however, this information is not predictive enough to rule out pathogenicity. In summary, based on the above information the clinical significance of this variant cannot be determined with certainty at this time. This variant is classified as a variant of uncertain significance.

NM_004655.4(AXIN2):c.1772C>T (p.Ala591Val)

Gene: AXIN2 (axin 2; minus strand). Cytogenetic location: 17q24.1.
Variant type: single nucleotide variant.
Coding change: c.1772C>T on transcript NM_004655.4 (MANE Select); coding-DNA position 1772, C replaced by T.
Protein change: p.Ala591Val; replaces alanine 591 with valine.
Molecular consequence: missense variant. On other transcripts: intron variant (1).
Genome position (GRCh38, 1-based): chr17:65,537,004, G>A on the plus strand (C>T on the coding strand, the complement: AXIN2 is on the minus strand). VCF-style: chr17-65537004-G-A. GRCh37 (hg19) VCF-style: chr17-63533122-G-A.
Other names: c.1712+320C>T (NM_001363813.1); short protein forms A591V.
Identifiers: ClinVar variation 1048974 (VCV001048974.15), dbSNP rs1439853340, ClinGen allele CA400676649.